The following is an entry in ClinVar:

NM_001122769.3(LCA5):c.-334C>T

Gene: LCA5 (lebercilin LCA5; minus strand). Cytogenetic location: 6q14.1.
Variant type: single nucleotide variant.
Coding change: c.-334C>T on transcript NM_001122769.3 (MANE Select); 334 bases upstream of the start codon, C replaced by T.
Molecular consequence: 5 prime UTR variant.
Genome position (GRCh38, 1-based): chr6:79,537,307, G>A on the plus strand (C>T on the coding strand, the complement: LCA5 is on the minus strand). VCF-style: chr6-79537307-G-A. GRCh37 (hg19) VCF-style: chr6-80247024-G-A.
Other names: c.-489C>T (NM_181714.4).
Identifiers: ClinVar variation 908458 (VCV000908458.4), dbSNP rs116580217, ClinGen allele CA141859116.

ClinVar aggregate classification (germline): Benign (1 of 4 stars; one submission).

Conditions:
Leber congenital amaurosis 5 (LCA5). Also called: Amaurosis congenita of Leber, type 5. Identifiers: Orphanet 65, MedGen C1858301, MONDO:0011473, OMIM 604537.

Allele frequency attached by ClinVar (database versions not stated): gnomAD exomes 0.00339; gnomAD 0.01034 and 0.01110; 1000 Genomes Project 0.01118; 1000 Genomes Project 30x 0.01187; TOPMed 0.01197.
gnomAD v4.1: 1,558 of 152,984 alleles (1%); highest among the groups gnomAD compares: African/African-American, 3.6%; 25 homozygotes.

Submission:

Illumina Laboratory Services, Illumina
Classification: Benign for Leber congenital amaurosis 5. Last evaluated: 2017-04-28. Review status: criteria provided, single submitter. Criteria: ICSL Variant Classification Criteria 13 December 2019. Collection method: clinical testing. Allele origin: germline.
Comment: This variant was observed as part of a predisposition screen in an ostensibly healthy population. A literature search was performed for the gene, cDNA change, and amino acid change (where applicable). No publications were found based on this search. Allele frequency data from public databases was too high to be consistent with this variant causing disease. Therefore, this variant is classified as benign.